The following is an entry in ClinVar:

NM_001735.3(C5):c.3482del (p.Leu1161fs)

Gene: C5 (complement C5; minus strand). Cytogenetic location: 9q33.2.
Variant type: Deletion.
Coding change: c.3482del on transcript NM_001735.3 (MANE Select); coding-DNA position 3482, one base deleted (T; older notation c.3482delT).
Protein change: p.Leu1161fs; shifts the reading frame from leucine 1161.
Molecular consequence: frameshift variant.
Genome position (GRCh38, 1-based): chr9:120,981,848, A deleted on the plus strand (T on the coding strand, the reverse complement: C5 is on the minus strand). VCF-style (leftmost placement, unchanged base first): chr9-120981847-CA-C. GRCh37 (hg19) VCF-style: chr9-123744125-CA-C.
Other names: c.3500del, p.Leu1167fs (NM_001317163.2); short protein forms L1161fs, L1167fs.
Identifiers: ClinVar variation 2974114 (VCV002974114.3), dbSNP rs1351288163, ClinGen allele CA590204228.

ClinVar aggregate classification (germline): Pathogenic (1 of 4 stars; one submission).

Allele frequency attached by ClinVar (database versions not stated): gnomAD exomes below 0.00001.

Submission:

Labcorp Genetics (formerly Invitae), Labcorp
Classification: Pathogenic. Last evaluated: 2023-05-23. Review status: criteria provided, single submitter. Criteria: Invitae Variant Classification Sherloc (09022015). Collection method: clinical testing. Allele origin: germline.
Comment: For these reasons, this variant has been classified as Pathogenic. This variant has not been reported in the literature in individuals affected with C5-related conditions. This variant is present in population databases (no rsID available, gnomAD 0.003%). This sequence change creates a premature translational stop signal (p.Leu1161Argfs*2) in the C5 gene. It is expected to result in an absent or disrupted protein product. Loss-of-function variants in C5 are known to be pathogenic (PMID: 7730648, 19414197, 27026170).

Literature cited by the submitters: PubMed 7730648; PubMed 19414197; PubMed 27026170.